The following is an entry in ClinVar:

NM_001201543.2(FAM161A):c.1462T>G (p.Trp488Gly)

Gene: FAM161A (FAM161 centrosomal protein A; minus strand). Cytogenetic location: 2p15.
Variant type: single nucleotide variant.
Coding change: c.1462T>G on transcript NM_001201543.2 (MANE Select); coding-DNA position 1462, T replaced by G.
Protein change: p.Trp488Gly; replaces tryptophan 488 with glycine.
Molecular consequence: missense variant. On other transcripts: non-coding transcript variant (1).
Genome position (GRCh38, 1-based): chr2:61,839,542, A>C on the plus strand (T>G on the coding strand, the complement: FAM161A is on the minus strand). VCF-style: chr2-61839542-A-C. GRCh37 (hg19) VCF-style: chr2-62066677-A-C.
Other names: c.1462T>G, p.Trp488Gly (NM_032180.3); c.1462T>G (NM_001201543.1); short protein forms W488G.
Identifiers: ClinVar variation 898704 (VCV000898704.9), dbSNP rs767214705, ClinGen allele CA1679151.

ClinVar aggregate classification (germline): Uncertain significance. Review status: criteria provided, multiple submitters, no conflicts (2 of 4 stars). 5 submissions from 5 submitters: Uncertain significance (4). 1 of the submissions does not count toward it. Last evaluated 2024-11-20.

Conditions:
Inborn genetic diseases. Identifiers: MedGen C0950123, MeSH D030342.
Retinitis pigmentosa (RP). Identifiers: Orphanet 791, MedGen C0035334, MeSH D012174, MONDO:0019200, OMIM 268000. Inheritance: Autosomal dominant, autosomal recessive and X linked inheritance.
Retinitis pigmentosa 28 (RP28). Identifiers: Orphanet 791, MedGen C1419614, MONDO:0011630, OMIM 606068.

Allele frequency attached by ClinVar (database versions not stated): gnomAD 0.00001; gnomAD exomes 0.00003 and 0.00006; TOPMed 0.00003; ExAC 0.00008.
gnomAD v4.1: 17 of 1,614,106 alleles (0.0011%); highest among the groups gnomAD compares: Admixed American, 0.028%; no homozygotes.

Submissions (5):

Ambry Genetics
Classification: Uncertain significance for Inborn genetic diseases. Last evaluated: 2024-11-20. Review status: criteria provided, single submitter. Criteria: Ambry Variant Classification Scheme 2023. Collection method: clinical testing. Allele origin: germline.

Labcorp Genetics (formerly Invitae), Labcorp
Classification: Uncertain significance. Last evaluated: 2022-09-01. Review status: criteria provided, single submitter. Criteria: Invitae Variant Classification Sherloc (09022015). Collection method: clinical testing. Allele origin: germline.
Comment: This sequence change replaces tryptophan, which is neutral and slightly polar, with glycine, which is neutral and non-polar, at codon 488 of the FAM161A protein (p.Trp488Gly). This variant is present in population databases (rs767214705, gnomAD 0.04%). This variant has not been reported in the literature in individuals affected with FAM161A-related conditions. ClinVar contains an entry for this variant (Variation ID: 898704). Algorithms developed to predict the effect of missense changes on protein structure and function output the following: SIFT: "Tolerated"; PolyPhen-2: "Benign"; Align-GVGD: "Class C0". The glycine amino acid residue is found in multiple mammalian species, which suggests that this missense change does not adversely affect protein function. In summary, the available evidence is currently insufficient to determine the role of this variant in disease. Therefore, it has been classified as a Variant of Uncertain Significance.

Blueprint Genetics
Classification: Uncertain significance. Last evaluated: 2019-08-02. Review status: criteria provided, single submitter. Criteria: ACMG Guidelines, 2015. Collection method: clinical testing. Allele origin: germline.

Illumina Laboratory Services, Illumina
Classification: Uncertain significance for Retinitis pigmentosa. Last evaluated: 2018-01-12. Review status: criteria provided, single submitter. Criteria: ICSL Variant Classification Criteria 13 December 2019. Collection method: clinical testing. Allele origin: germline.

Natera, Inc.
Classification: Uncertain significance for Retinitis pigmentosa type 28. Last evaluated: 2020-06-15. Review status: no assertion criteria provided. Collection method: clinical testing. Allele origin: germline. Not counted in ClinVar's aggregate classification.